The following is an entry in ClinVar:

NM_133433.4(NIPBL):c.467T>C (p.Val156Ala)

Gene: NIPBL (NIPBL cohesin loading factor; plus strand). Cytogenetic location: 5p13.2.
Variant type: single nucleotide variant.
Coding change: c.467T>C on transcript NM_133433.4 (MANE Select); coding-DNA position 467, T replaced by C.
Protein change: p.Val156Ala; replaces valine 156 with alanine.
Molecular consequence: missense variant.
Genome position (GRCh38, 1-based): chr5:36,962,131, T>C. VCF-style: chr5-36962131-T-C. GRCh37 (hg19) VCF-style: chr5-36962233-T-C.
Other names: c.467T>C, p.Val156Ala (NM_015384.5); short protein forms V156A.
Identifiers: ClinVar variation 3702318 (VCV003702318.2).

ClinVar aggregate classification (germline): Uncertain significance (1 of 4 stars; one submission).

Conditions:
Cornelia de Lange syndrome 1 (CDLS1). Also called: Brachmann de Lange syndrome; TYPUS DEGENERATIVUS AMSTELODAMENSIS; NIPBL-Related Cornelia de Lange Syndrome. Identifiers: Orphanet 199, MedGen C4551851, MONDO:0007387, OMIM 122470.

gnomAD v4.1: 1 of 1,613,988 alleles (0.000062%); highest among the groups gnomAD compares: African/African-American, 0.0013%; no homozygotes.

Submission:

Labcorp Genetics (formerly Invitae), Labcorp
Classification: Uncertain significance for Cornelia de Lange syndrome 1. Last evaluated: 2024-03-10. Review status: criteria provided, single submitter. Criteria: Invitae Variant Classification Sherloc (09022015). Collection method: clinical testing. Allele origin: germline.
Comment: This sequence change replaces valine, which is neutral and non-polar, with alanine, which is neutral and non-polar, at codon 156 of the NIPBL protein (p.Val156Ala). This variant is not present in population databases (gnomAD no frequency). This variant has not been reported in the literature in individuals affected with NIPBL-related conditions. Advanced modeling of protein sequence and biophysical properties (such as structural, functional, and spatial information, amino acid conservation, physicochemical variation, residue mobility, and thermodynamic stability) has been performed at Invitae for this missense variant, however the output from this modeling did not meet the statistical confidence thresholds required to predict the impact of this variant on NIPBL protein function. In summary, the available evidence is currently insufficient to determine the role of this variant in disease. Therefore, it has been classified as a Variant of Uncertain Significance.